The following is an entry in ClinVar:

ClinVar aggregate classification (germline): Uncertain significance (1 of 4 stars; one submission).

Submission:

GeneDx
Classification: Uncertain significance. Last evaluated: 2024-10-28. Review status: criteria provided, single submitter. Criteria: GeneDx Variant Classification Process June 2021. Collection method: clinical testing. Allele origin: germline. Affected: yes.
Comment: In-frame deletion of 1 amino acid(s) in a non-repeat region; Not observed at significant frequency in large population cohorts (gnomAD); In silico analysis supports a deleterious effect on protein structure/function; Has not been previously published as pathogenic or benign to our knowledge

NM_014991.6(WDFY3):c.1014_1016del (p.Ile339del)

Gene: WDFY3 (WD repeat and FYVE domain containing 3; minus strand). Cytogenetic location: 4q21.23.
Variant type: Deletion.
Coding change: c.1014_1016del on transcript NM_014991.6 (MANE Select); coding-DNA positions 1014 to 1016, 3 bases deleted (GAT; older notation c.1014_1016delGAT).
Protein change: p.Ile339del; deletes isoleucine 339.
Genome position (GRCh38, 1-based): chr4:84,826,922-84,826,924, ATC deleted on the plus strand (GAT on the coding strand, the reverse complement: WDFY3 is on the minus strand); deleting any 3 consecutive bases within chr4:84,826,922-84,826,925 gives the same sequence; the c. name uses the placement nearest the transcript's 3' end. VCF-style (leftmost placement, unchanged base first): chr4-84826921-TATC-T. GRCh37 (hg19) VCF-style: chr4-85748074-TATC-T.
Other names: short protein forms I339del.
Identifiers: ClinVar variation 3893657 (VCV003893657.1).